The following is an entry in ClinVar:

ClinVar aggregate classification (germline): Uncertain significance (1 of 4 stars; one submission).

Conditions:
Hereditary cancer-predisposing syndrome. Also called: Neoplastic Syndromes, Hereditary; Tumor predisposition; Hereditary neoplastic syndrome; Hereditary Cancer Syndrome. Identifiers: Orphanet 140162, MedGen C0027672, MeSH D009386, MONDO:0015356.

Submission:

Ambry Genetics
Classification: Uncertain significance for Hereditary cancer-predisposing syndrome. Last evaluated: 2023-12-18. Review status: criteria provided, single submitter. Criteria: Ambry Variant Classification Scheme 2023. Collection method: clinical testing. Allele origin: germline.
Comment: The p.H334L variant (also known as c.1001A>T), located in coding exon 6 of the PDGFRA gene, results from an A to T substitution at nucleotide position 1001. The histidine at codon 334 is replaced by leucine, an amino acid with similar properties. This amino acid position is conserved. In addition, this alteration is predicted to be tolerated by in silico analysis. Since supporting evidence is limited at this time, the clinical significance of this alteration remains unclear.

NM_006206.6(PDGFRA):c.1001A>T (p.His334Leu)

Gene: PDGFRA (platelet derived growth factor receptor alpha; plus strand). Cytogenetic location: 4q12.
Variant type: single nucleotide variant.
Coding change: c.1001A>T on transcript NM_006206.6 (MANE Select); coding-DNA position 1001, A replaced by T.
Protein change: p.His334Leu; replaces histidine 334 with leucine.
Molecular consequence: missense variant.
Genome position (GRCh38, 1-based): chr4:54,267,621, A>T. VCF-style: chr4-54267621-A-T. GRCh37 (hg19) VCF-style: chr4-55133788-A-T.
Other names: c.1001A>T, p.His334Leu (NM_001347827.2, NM_001347829.2); c.1076A>T, p.His359Leu (NM_001347828.2); c.1040A>T, p.His347Leu (NM_001347830.2); short protein forms H334L, H347L, H359L.
Identifiers: ClinVar variation 3225255 (VCV003225255.1), dbSNP rs2475455664, ClinGen allele CA356891585.